The following is an entry in ClinVar:

ClinVar aggregate classification (germline): Benign/Likely benign. Review status: criteria provided, multiple submitters, no conflicts (2 of 4 stars). 7 submissions from 7 submitters: Benign (5); Likely benign (2). Last evaluated 2026-01-19.

Conditions:
Hereditary cancer-predisposing syndrome. Also called: Neoplastic Syndromes, Hereditary; Hereditary Cancer Syndrome; Tumor predisposition; Hereditary neoplastic syndrome. Identifiers: Orphanet 140162, MedGen C0027672, MeSH D009386, MONDO:0015356.
Tuberous sclerosis syndrome (TSC). Also called: Tuberous Sclerosis Complex; Tuberous sclerosis. Identifiers: Orphanet 805, MedGen C0041341, MONDO:0001734.
Tuberous sclerosis 2 (TSC2). Identifiers: Orphanet 805, MedGen C1860707, MONDO:0013199, OMIM 613254.

Allele frequency attached by ClinVar (database versions not stated): gnomAD below 0.00001 and 0.00002; TOPMed 0.00001; ExAC 0.00023.
gnomAD v4.1: 97 of 1,612,814 alleles (0.006%); highest among the groups gnomAD compares: South Asian, 0.11%; no homozygotes.

Submissions (7):

Labcorp Genetics (formerly Invitae), Labcorp
Classification: Benign for Tuberous sclerosis 2. Last evaluated: 2026-01-19. Review status: criteria provided, single submitter. Criteria: Invitae Variant Classification Sherloc (09022015). Collection method: clinical testing. Allele origin: germline.

Myriad Genetics, Inc.
Classification: Benign for Tuberous sclerosis 2. Last evaluated: 2025-06-06. Review status: criteria provided, single submitter. Criteria: Myriad Autosomal Dominant, Autosomal Recessive and X-Linked Classification Criteria (2023). Collection method: clinical testing. Allele origin: unknown.
Comment: This variant is considered benign. This variant is a silent/synonymous amino acid change and it is not expected to impact splicing.

Blueprint Genetics
Classification: Likely benign. Last evaluated: 2024-11-05. Review status: criteria provided, single submitter. Criteria: ACMG Guidelines, 2015. Collection method: clinical testing. Allele origin: germline.

Color Diagnostics, LLC DBA Color Health
Classification: Likely benign for Tuberous sclerosis syndrome. Last evaluated: 2024-01-30. Review status: criteria provided, single submitter. Criteria: ACMG Guidelines, 2015. Collection method: clinical testing. Allele origin: germline.

Ambry Genetics
Classification: Benign for Hereditary cancer-predisposing syndrome. Last evaluated: 2022-01-18. Review status: criteria provided, single submitter. Criteria: Ambry Variant Classification Scheme 2023. Collection method: clinical testing. Allele origin: germline.

Genome-Nilou Lab
Classification: Benign for Tuberous sclerosis 2. Last evaluated: 2021-11-07. Review status: criteria provided, single submitter. Criteria: ACMG Guidelines, 2015. Collection method: clinical testing. Allele origin: germline. Affected: no.

GeneDx
Classification: Benign. Last evaluated: 2021-09-03. Review status: criteria provided, single submitter. Criteria: GeneDx Variant Classification Process June 2021. Collection method: clinical testing. Allele origin: germline. Affected: yes.

NM_000548.5(TSC2):c.5292C>T (p.Ser1764=)

Gene: TSC2 (TSC complex subunit 2; plus strand). Cytogenetic location: 16p13.3.
Variant type: single nucleotide variant.
Coding change: c.5292C>T on transcript NM_000548.5 (MANE Select); coding-DNA position 5292, C replaced by T.
Protein change: p.Ser1764=; no amino-acid change (serine 1764 retained).
Molecular consequence: synonymous variant.
Genome position (GRCh38, 1-based): chr16:2,088,478, C>T. VCF-style: chr16-2088478-C-T. GRCh37 (hg19) VCF-style: chr16-2138479-C-T.
Other names: c.5091C>T, p.Ser1697= (NM_001077183.3); c.5223C>T, p.Ser1741= (NM_001114382.3); c.4983C>T, p.Ser1661= (NM_001318827.2); c.4947C>T, p.Ser1649= (NM_001318829.2); c.4560C>T, p.Ser1520= (NM_001318831.2); c.5124C>T, p.Ser1708= (NM_001318832.2); c.5094C>T, p.Ser1698= (NM_001363528.2); c.5160C>T, p.Ser1720= (NM_001370404.1); and 2 more.
Identifiers: ClinVar variation 238082 (VCV000238082.21), dbSNP rs769507440, ClinGen allele CA054978.